The following is an entry in ClinVar:

ClinVar aggregate classification (germline): Uncertain significance. Review status: criteria provided, multiple submitters, no conflicts (2 of 4 stars). 2 submissions from 2 submitters: Uncertain significance (2). Last evaluated 2025-05-26.

Conditions:
Spastic paraplegia. Identifiers: MedGen C0037772, HP:0001258.

Allele frequency attached by ClinVar (database versions not stated): gnomAD exomes below 0.00001.
gnomAD v4.1: 1 of 1,613,974 alleles (0.000062%); highest among the groups gnomAD compares: Admixed American, 0.0017%; no homozygotes.

Submissions (2):

Labcorp Genetics (formerly Invitae), Labcorp
Classification: Uncertain significance for Spastic paraplegia. Last evaluated: 2025-05-26. Review status: criteria provided, single submitter. Criteria: Invitae Variant Classification Sherloc (09022015). Collection method: clinical testing. Allele origin: germline.
Comment: This sequence change replaces glutamine, which is neutral and polar, with proline, which is neutral and non-polar, at codon 154 of the ERLIN2 protein (p.Gln154Pro). This variant is not present in population databases (gnomAD no frequency). This variant has not been reported in the literature in individuals affected with ERLIN2-related conditions. ClinVar contains an entry for this variant (Variation ID: 945737). Invitae Evidence Modeling of protein sequence and biophysical properties (such as structural, functional, and spatial information, amino acid conservation, physicochemical variation, residue mobility, and thermodynamic stability) indicates that this missense variant is not expected to disrupt ERLIN2 protein function with a negative predictive value of 80%. In summary, the available evidence is currently insufficient to determine the role of this variant in disease. Therefore, it has been classified as a Variant of Uncertain Significance.

Mayo Clinic Laboratories, Mayo Clinic
Classification: Uncertain significance. Last evaluated: 2019-12-20. Review status: criteria provided, single submitter. Criteria: ACMG Guidelines, 2015. Collection method: clinical testing. Allele origin: germline. Observed: 1 variant allele.

NM_007175.8(ERLIN2):c.461A>C (p.Gln154Pro)

Gene: ERLIN2 (ER lipid raft associated 2; plus strand). Cytogenetic location: 8p11.23.
Variant type: single nucleotide variant.
Coding change: c.461A>C on transcript NM_007175.8 (MANE Select); coding-DNA position 461, A replaced by C.
Protein change: p.Gln154Pro; replaces glutamine 154 with proline.
Molecular consequence: missense variant.
Genome position (GRCh38, 1-based): chr8:37,749,595, A>C. VCF-style: chr8-37749595-A-C. GRCh37 (hg19) VCF-style: chr8-37607113-A-C.
Other names: c.461A>C, p.Gln154Pro (NM_001362878.2); short protein forms Q154P.
Identifiers: ClinVar variation 945737 (VCV000945737.11), dbSNP rs1803168761, ClinGen allele CA370658294.